The following is an entry in ClinVar:

ClinVar aggregate classification (germline): Pathogenic (1 of 4 stars; one submission).

Submission:

Labcorp Genetics (formerly Invitae), Labcorp
Classification: Pathogenic. Last evaluated: 2019-02-02. Review status: criteria provided, single submitter. Criteria: Invitae Variant Classification Sherloc (09022015). Collection method: clinical testing. Allele origin: germline.
Comment: A gross deletion of the genomic region encompassing the full coding sequence of the UBA5 gene has been identified. The boundaries of this event are unknown as the deletion extends beyond the assayed region for this gene and therefore may encompass additional genes. A similar whole gene deletion has been observed in an individual with clinical features of UBA5-related epileptic encephalopathy¬†(PMID:¬†30078785). Loss-of-function variants in UBA5 are known to be pathogenic (PMID: 27545674, 27545681). For these reasons, this variant has been classified as Pathogenic.

Literature cited by the submitters: PubMed 27545674; PubMed 27545681.

NC_000003.12:g.(?_132626691)_(132722355_?)del

Genes: ACAD11 (acyl-CoA dehydrogenase family member 11; minus strand), NPHP3 (nephrocystin 3; minus strand), UBA5 (ubiquitin like modifier activating enzyme 5; plus strand). Cytogenetic location: 3q22.1.
Variant type: Deletion.
Identifiers: ClinVar variation 832228 (VCV000832228.4).